The following is an entry in ClinVar:

NM_001372.4(DNAH9):c.7787C>T (p.Thr2596Met)

Gene: DNAH9 (dynein axonemal heavy chain 9; plus strand). Cytogenetic location: 17p12.
Variant type: single nucleotide variant.
Coding change: c.7787C>T on transcript NM_001372.4 (MANE Select); coding-DNA position 7787, C replaced by T.
Protein change: p.Thr2596Met; replaces threonine 2596 with methionine.
Molecular consequence: missense variant.
Genome position (GRCh38, 1-based): chr17:11,783,714, C>T. VCF-style: chr17-11783714-C-T. GRCh37 (hg19) VCF-style: chr17-11687031-C-T.
Other names: short protein forms T2596M.
Identifiers: ClinVar variation 1911956 (VCV001911956.6), dbSNP rs770146400, ClinGen allele CA8396715.

ClinVar aggregate classification (germline): Uncertain significance. Review status: criteria provided, multiple submitters, no conflicts (2 of 4 stars). 2 submissions from 2 submitters: Uncertain significance (2). Last evaluated 2024-02-24.

Allele frequency attached by ClinVar (database versions not stated): TOPMed 0.00001; ExAC 0.00002; gnomAD 0.00002.
gnomAD v4.1: 28 of 1,613,952 alleles (0.0017%); highest among the groups gnomAD compares: Middle Eastern, 0.016%; no homozygotes.

Submissions (2):

Labcorp Genetics (formerly Invitae), Labcorp
Classification: Uncertain significance. Last evaluated: 2024-02-24. Review status: criteria provided, single submitter. Criteria: Invitae Variant Classification Sherloc (09022015). Collection method: clinical testing. Allele origin: germline.
Comment: This sequence change replaces threonine, which is neutral and polar, with methionine, which is neutral and non-polar, at codon 2596 of the DNAH9 protein (p.Thr2596Met). This variant is present in population databases (rs770146400, gnomAD 0.006%). This variant has not been reported in the literature in individuals affected with DNAH9-related conditions. ClinVar contains an entry for this variant (Variation ID: 1911956). Advanced modeling of protein sequence and biophysical properties (such as structural, functional, and spatial information, amino acid conservation, physicochemical variation, residue mobility, and thermodynamic stability) performed at Invitae indicates that this missense variant is expected to disrupt DNAH9 protein function with a positive predictive value of 80%. In summary, the available evidence is currently insufficient to determine the role of this variant in disease. Therefore, it has been classified as a Variant of Uncertain Significance.

Blueprint Genetics
Classification: Uncertain significance. Last evaluated: 2023-01-26. Review status: criteria provided, single submitter. Criteria: ACMG Guidelines, 2015. Collection method: clinical testing. Allele origin: germline.